The following is an entry in ClinVar:

NM_000388.4(CASR):c.1351G>T (p.Asp451Tyr)

Gene: CASR (calcium sensing receptor; plus strand). Cytogenetic location: 3q21.1.
Variant type: single nucleotide variant.
Coding change: c.1351G>T on transcript NM_000388.4 (MANE Select); coding-DNA position 1351, G replaced by T.
Protein change: p.Asp451Tyr; replaces aspartic acid 451 with tyrosine.
Molecular consequence: missense variant.
Genome position (GRCh38, 1-based): chr3:122,262,386, G>T. VCF-style: chr3-122262386-G-T. GRCh37 (hg19) VCF-style: chr3-121981233-G-T.
Other names: c.1351G>T, p.Asp451Tyr (NM_001178065.2); short protein forms D451Y.
Identifiers: ClinVar variation 661323 (VCV000661323.9), dbSNP rs540006567, ClinGen allele CA354153270.

ClinVar aggregate classification (germline): Uncertain significance (1 of 4 stars; one submission).

Conditions:
Familial hypocalciuric hypercalcemia (FHH). Also called: Familial benign hypercalcemia. Identifiers: Orphanet 405, MedGen C1809471, MONDO:0018458.
Autosomal dominant hypocalcemia 1 (HYPOC1). Also called: HYPOCALCEMIA, FAMILIAL. Identifiers: MedGen C3715128, MONDO:0011013, OMIM 601198.

Submission:

Labcorp Genetics (formerly Invitae), Labcorp
Classification: Uncertain significance for Familial hypocalciuric hypercalcemia; Autosomal dominant hypocalcemia 1. Last evaluated: 2022-02-04. Review status: criteria provided, single submitter. Criteria: Invitae Variant Classification Sherloc (09022015). Collection method: clinical testing. Allele origin: germline.
Comment: In summary, the available evidence is currently insufficient to determine the role of this variant in disease. Therefore, it has been classified as a Variant of Uncertain Significance. Algorithms developed to predict the effect of missense changes on protein structure and function are either unavailable or do not agree on the potential impact of this missense change (SIFT: "Deleterious"; PolyPhen-2: "Benign"; Align-GVGD: "Class C65"). ClinVar contains an entry for this variant (Variation ID: 661323). This variant has not been reported in the literature in individuals affected with CASR-related conditions. This variant is not present in population databases (gnomAD no frequency). This sequence change replaces aspartic acid, which is acidic and polar, with tyrosine, which is neutral and polar, at codon 451 of the CASR protein (p.Asp451Tyr).